The following is an entry in ClinVar:

NM_005228.5(EGFR):c.240+1G>A

Gene: EGFR (epidermal growth factor receptor; plus strand). Cytogenetic location: 7p11.2.
Variant type: single nucleotide variant.
Coding change: c.240+1G>A on transcript NM_005228.5 (MANE Select); the canonical splice donor site of the intron after coding-DNA position 240, G replaced by A.
Molecular consequence: splice donor variant. On other transcripts: intron variant (1).
Genome position (GRCh38, 1-based): chr7:55,142,438, G>A. VCF-style: chr7-55142438-G-A. GRCh37 (hg19) VCF-style: chr7-55210131-G-A.
Other names: c.240+1G>A (NM_001346899.2, NM_001346898.2, NM_001346897.2 and 3 more transcripts); c.89-13392G>A (NM_001346941.2); c.81+1G>A (NM_001346900.2).
Identifiers: ClinVar variation 1484719 (VCV001484719.7), dbSNP rs2128926460, ClinGen allele CA367575090.

ClinVar aggregate classification (germline): Likely pathogenic (1 of 4 stars; one submission).

Conditions:
EGFR-related lung cancer (EGFR). Identifiers: MedGen CN130014.

Submission:

Labcorp Genetics (formerly Invitae), Labcorp
Classification: Likely pathogenic for EGFR-related lung cancer. Last evaluated: 2021-09-25. Review status: criteria provided, single submitter. Criteria: Invitae Variant Classification Sherloc (09022015). Collection method: clinical testing. Allele origin: germline.
Comment: This sequence change affects a donor splice site in intron 2 of the EGFR gene. It is expected to disrupt RNA splicing. Variants that disrupt the donor or acceptor splice site typically lead to a loss of protein function (PMID: 16199547), and loss-of-function variants in EGFR are known to be pathogenic (PMID: 7630400, 28726809, 29899996). This variant is not present in population databases (ExAC no frequency). This variant has not been reported in the literature in individuals affected with EGFR-related conditions. Algorithms developed to predict the effect of sequence changes on RNA splicing suggest that this variant may disrupt the consensus splice site. In summary, the currently available evidence indicates that the variant is pathogenic, but additional data are needed to prove that conclusively. Therefore, this variant has been classified as Likely Pathogenic.

Literature cited by the submitters: PubMed 16199547; PubMed 7630400; PubMed 28726809; PubMed 29899996.